The following is an entry in ClinVar:

NM_001366385.1(CARD14):c.964-19T>A

Gene: CARD14 (caspase recruitment domain family member 14; plus strand). Cytogenetic location: 17q25.3.
Variant type: single nucleotide variant.
Coding change: c.964-19T>A on transcript NM_001366385.1 (MANE Select); 19 bases into the intron before coding-DNA position 964, T replaced by A.
Molecular consequence: intron variant.
Genome position (GRCh38, 1-based): chr17:80,190,755, T>A. VCF-style: chr17-80190755-T-A. GRCh37 (hg19) VCF-style: chr17-78164554-T-A.
Other names: c.964-19T>A (NM_024110.4, NM_001257970.1); c.253-19T>A (NM_052819.3).
Identifiers: ClinVar variation 2928886 (VCV002928886.3), dbSNP rs2040499558, ClinGen allele CA2740093949.

ClinVar aggregate classification (germline): Uncertain significance (1 of 4 stars; one submission).

Conditions:
Pityriasis rubra pilaris (PRP). Also called: Pityriasis rubra pilaris--familial type. Identifiers: Orphanet 2897, MedGen C0032027, MONDO:0100017, OMIM 173200, MONDO:0008251.
Psoriasis 2. Identifiers: MedGen C1864497, MONDO:0011269, OMIM 602723.

Submission:

Labcorp Genetics (formerly Invitae), Labcorp
Classification: Uncertain significance for Pityriasis rubra pilaris; Psoriasis 2. Last evaluated: 2024-01-18. Review status: criteria provided, single submitter. Criteria: Invitae Variant Classification Sherloc (09022015). Collection method: clinical testing. Allele origin: germline.
Comment: This sequence change falls in intron 6 of the CARD14 gene. It does not directly change the encoded amino acid sequence of the CARD14 protein. This variant is not present in population databases (gnomAD no frequency). This variant has not been reported in the literature in individuals affected with CARD14-related conditions. Algorithms developed to predict the effect of sequence changes on RNA splicing suggest that this variant may disrupt the consensus splice site. In summary, the available evidence is currently insufficient to determine the role of this variant in disease. Therefore, it has been classified as a Variant of Uncertain Significance.